The following is an entry in ClinVar:

ClinVar aggregate classification (germline): Pathogenic (1 of 4 stars; one submission).

Submission:

Labcorp Genetics (formerly Invitae), Labcorp
Classification: Pathogenic. Last evaluated: 2022-09-07. Review status: criteria provided, single submitter. Criteria: Invitae Variant Classification Sherloc (09022015). Collection method: clinical testing. Allele origin: germline.
Comment: This variant is a gross deletion of the genomic region encompassing exon(s) 22-24 of the USH2A gene. This variant would be expected to be in-frame, preserving the integrity of the reading frame. A similar copy number variant has been observed in individuals with Usher syndrome (PMID: 25804404, 27460420). For these reasons, this variant has been classified as Pathogenic.

Literature cited by the submitters: PubMed 25804404; PubMed 27460420.

NC_000001.10:g.(?_216260041)_(216270575_?)del

Gene: USH2A (usherin; minus strand). Cytogenetic location: 1q41.
Variant type: Deletion.
Identifiers: ClinVar variation 2427765 (VCV002427765.3).